The following is an entry in ClinVar:

ClinVar aggregate classification (germline): Uncertain significance. Review status: criteria provided, multiple submitters, no conflicts (2 of 4 stars). 6 submissions from 6 submitters: Uncertain significance (6). Last evaluated 2025-10-03.

Conditions:
Inborn genetic diseases. Identifiers: MedGen C0950123, MeSH D030342.
Coenzyme Q10 deficiency, primary, 1. Also called: UBIQUINONE DEFICIENCY 1; COENZYME Q DEFICIENCY 1; CoQ DEFICIENCY 1. Identifiers: Orphanet 255249, MedGen C3551954, MONDO:0011829, OMIM 607426.
Multiple system atrophy 1, susceptibility to. Also called: MSA1, SUSCEPTIBILITY TO. Identifiers: MedGen C3714927, MONDO:0020715, OMIM 146500.
Mitochondrial disease. Also called: Mitochondrial disorders; Mitochondrial disorder. Identifiers: Orphanet 68380, MedGen C0751651, MeSH D028361, MONDO:0044970.

Allele frequency attached by ClinVar (database versions not stated): gnomAD 0.00001; TOPMed 0.00002; gnomAD exomes 0.00007 and 0.00004; ExAC 0.00008; ESP Exome Variant Server 0.00008.
gnomAD v4.1: 103 of 1,559,416 alleles (0.0066%); highest among the groups gnomAD compares: Non-Finnish European, 0.0082%; no homozygotes.

Submissions (6):

Mayo Clinic Laboratories, Mayo Clinic
Classification: Uncertain significance. Last evaluated: 2025-10-03. Review status: criteria provided, single submitter. Criteria: ACMG Guidelines, 2015. Collection method: clinical testing. Allele origin: germline. Observed: 1 variant allele.
Comment: BP4_moderate, PM2_supporting

GeneDx
Classification: Uncertain significance. Last evaluated: 2025-09-03. Review status: criteria provided, single submitter. Criteria: GeneDx Variant Classification Process June 2021. Collection method: clinical testing. Allele origin: germline. Affected: yes.
Comment: Not observed at significant frequency in large population cohorts (gnomAD); In silico analysis suggests that this missense variant does not alter protein structure/function; Has not been previously published as pathogenic or benign to our knowledge

Ambry Genetics
Classification: Uncertain significance for Inborn genetic diseases. Last evaluated: 2025-01-15. Review status: criteria provided, single submitter. Criteria: Ambry Variant Classification Scheme 2023. Collection method: clinical testing. Allele origin: germline.

Labcorp Genetics (formerly Invitae), Labcorp
Classification: Uncertain significance. Last evaluated: 2023-08-30. Review status: criteria provided, single submitter. Criteria: Invitae Variant Classification Sherloc (09022015). Collection method: clinical testing. Allele origin: germline.
Comment: In summary, the available evidence is currently insufficient to determine the role of this variant in disease. Therefore, it has been classified as a Variant of Uncertain Significance. An algorithm developed to predict the effect of missense changes on protein structure and function (PolyPhen-2) suggests that this variant¬†is likely to be tolerated. ClinVar contains an entry for this variant (Variation ID: 1358438). This variant has not been reported in the literature in individuals affected with COQ2-related conditions. This variant is present in population databases (rs371993270, gnomAD 0.01%). This sequence change replaces alanine, which is neutral and non-polar, with glutamic acid, which is acidic and polar, at codon 28 of the COQ2 protein (p.Ala28Glu).

Fulgent Genetics
Classification: Uncertain significance for Multiple system atrophy 1, susceptibility to; Coenzyme Q10 deficiency, primary, 1. Last evaluated: 2021-09-30. Review status: criteria provided, single submitter. Criteria: ACMG Guidelines, 2015. Collection method: clinical testing. Allele origin: unknown.

Department of Pathology and Laboratory Medicine, Sinai Health System
Classification: Uncertain significance for mitochondrial disease. Last evaluated: 2021-07-30. Review status: criteria provided, single submitter. Criteria: ACMG Guidelines, 2015. Collection method: research. Allele origin: germline.

NM_015697.9(COQ2):c.83C>A (p.Ala28Glu)

Genes: COQ2 (coenzyme Q2, polyprenyltransferase; minus strand), LOC112997540 (Sharpr-MPRA regulatory region 13773; plus strand). Cytogenetic location: 4q21.23.
Variant type: single nucleotide variant.
Coding change: c.83C>A on transcript NM_015697.9; coding-DNA position 83, C replaced by A.
Protein change: p.Ala28Glu; replaces alanine 28 with glutamic acid.
Molecular consequence: missense variant.
Genome position (GRCh38, 1-based): chr4:83,284,832, G>T on the plus strand (C>A on the coding strand, the complement: COQ2 is on the minus strand). VCF-style: chr4-83284832-G-T. GRCh37 (hg19) VCF-style: chr4-84205985-G-T.
Other names: p.Ala28Glu; short protein forms A28E.
Identifiers: ClinVar variation 1358438 (VCV001358438.10), dbSNP rs371993270, ClinGen allele CA2988716.